The following is an entry in ClinVar:

NM_020832.3(ZNF687):c.3707A>C (p.Asp1236Ala)

Gene: ZNF687 (zinc finger protein 687; plus strand). Cytogenetic location: 1q21.3.
Variant type: single nucleotide variant.
Coding change: c.3707A>C on transcript NM_020832.3 (MANE Select); coding-DNA position 3707, A replaced by C.
Protein change: p.Asp1236Ala; replaces aspartic acid 1236 with alanine.
Molecular consequence: missense variant.
Genome position (GRCh38, 1-based): chr1:151,291,202, A>C. VCF-style: chr1-151291202-A-C. GRCh37 (hg19) VCF-style: chr1-151263678-A-C.
Other names: c.3707A>C, p.Asp1236Ala (NM_001304763.2, NM_001304764.2); short protein forms D1236A.
Identifiers: ClinVar variation 1450442 (VCV001450442.6), dbSNP rs1257391708, ClinGen allele CA341966330.
Genomic context (GRCh38, chr1:151,291,202, plus strand): 5'-AGACCCACTTCCGCACGCATGGCATGGCGTTCATCAGGGCTCGGCAGGGGGCTGTTGGGG[A>C]CAACTAGTCTCCAAGGCCTGGGACTGACCAGCCCCTTCCTCTTGGAGCCTGGTTTTCCCT-3'
Protein context (NP_065883.1, residues 1226-1237): FIRARQGAVG[Asp1236Ala]N

ClinVar aggregate classification (germline): Uncertain significance (1 of 4 stars; one submission).

Allele frequency attached by ClinVar (database versions not stated): gnomAD exomes below 0.00001.
gnomAD v4.1: 1 of 1,597,290 alleles (0.000063%); highest among the groups gnomAD compares: Non-Finnish European, 0.000086%; no homozygotes.

Submission:

Labcorp Genetics (formerly Invitae), Labcorp
Classification: Uncertain significance. Last evaluated: 2024-07-22. Review status: criteria provided, single submitter. Criteria: Invitae Variant Classification Sherloc (09022015). Collection method: clinical testing. Allele origin: germline.
Comment: This sequence change replaces aspartic acid, which is acidic and polar, with alanine, which is neutral and non-polar, at codon 1236 of the ZNF687 protein (p.Asp1236Ala). This variant is present in population databases (no rsID available, gnomAD 0.001%). This variant has not been reported in the literature in individuals affected with ZNF687-related conditions. ClinVar contains an entry for this variant (Variation ID: 1450442). An algorithm developed to predict the effect of missense changes on protein structure and function (PolyPhen-2) suggests that this variant is likely to be disruptive. In summary, the available evidence is currently insufficient to determine the role of this variant in disease. Therefore, it has been classified as a Variant of Uncertain Significance.